The following is an entry in ClinVar:

ClinVar aggregate classification (germline): Uncertain significance (1 of 4 stars; one submission).

Allele frequency attached by ClinVar (database versions not stated): gnomAD exomes below 0.00001.
gnomAD v4.1: 2 of 1,614,176 alleles (0.00012%); highest among the groups gnomAD compares: East Asian, 0.0045%; 1 homozygote.

Submission:

GeneDx
Classification: Uncertain significance. Last evaluated: 2023-01-19. Review status: criteria provided, single submitter. Criteria: GeneDx Variant Classification Process June 2021. Collection method: clinical testing. Allele origin: germline. Affected: yes.
Comment: Not observed at significant frequency in large population cohorts (gnomAD); In silico analysis supports that this missense variant has a deleterious effect on protein structure/function; Has not been previously published as pathogenic or benign to our knowledge

NM_012330.4(KAT6B):c.5396G>A (p.Gly1799Asp)

Gene: KAT6B (lysine acetyltransferase 6B; plus strand). Cytogenetic location: 10q22.2.
Variant type: single nucleotide variant.
Coding change: c.5396G>A on transcript NM_012330.4 (MANE Select); coding-DNA position 5396, G replaced by A.
Protein change: p.Gly1799Asp; replaces glycine 1799 with aspartic acid.
Molecular consequence: missense variant.
Genome position (GRCh38, 1-based): chr10:75,030,220, G>A. VCF-style: chr10-75030220-G-A. GRCh37 (hg19) VCF-style: chr10-76789978-G-A.
Other names: c.4847G>A, p.Gly1616Asp (NM_001256468.2, NM_001370138.1); c.4520G>A, p.Gly1507Asp (NM_001256469.2, NM_001370139.1, NM_001370140.1 and 2 more transcripts); c.4358G>A, p.Gly1453Asp (NM_001370132.1); c.3707G>A, p.Gly1236Asp (NM_001370133.1); c.3311G>A, p.Gly1104Asp (NM_001370134.1); c.3053G>A, p.Gly1018Asp (NM_001370135.1); c.5396G>A, p.Gly1799Asp (NM_001370136.1, NM_001370137.1); c.4331G>A, p.Gly1444Asp (NM_001370143.1, NM_001370144.1); short protein forms G1018D, G1104D, G1236D, G1444D, G1453D, G1507D, G1616D, G1799D.
Identifiers: ClinVar variation 2573774 (VCV002573774.1), dbSNP rs2549210985, ClinGen allele CA377301066.